The following is an entry in ClinVar:

ClinVar aggregate classification (germline): Conflicting classifications of pathogenicity. Review status: criteria provided, conflicting classifications (1 of 4 stars). 6 submissions from 6 submitters: Uncertain significance (5); Likely benign (1). Last evaluated 2025-05-25.

Conditions:
Breast-ovarian cancer, familial, susceptibility to, 2 (BROVCA2). Also called: BRCA2 Hereditary Breast and Ovarian Cancer. Identifiers: Orphanet 145, MedGen C2675520, MONDO:0012933, OMIM 612555. Disease mechanism: loss of function.
Hereditary cancer-predisposing syndrome. Also called: Hereditary neoplastic syndrome; Neoplastic Syndromes, Hereditary; Hereditary Cancer Syndrome; Tumor predisposition. Identifiers: Orphanet 140162, MedGen C0027672, MeSH D009386, MONDO:0015356.
Hereditary breast ovarian cancer syndrome. Also called: Hereditary breast and ovarian cancer; Hereditary breast and ovarian cancer syndrome (HBOC); Breast and ovarian cancer; BRCA1- and BRCA2-Associated Hereditary Breast and Ovarian Cancer; Hereditary breast and/or ovarian cancer syndrome; Hereditary breast and ovarian cancer syndrome. Identifiers: Orphanet 145, MedGen C0677776, MeSH D061325, MONDO:0003582. Disease mechanism: loss of function.
Breast and/or ovarian cancer. Identifiers: MedGen CN221562.

Submissions (6):

Ambry Genetics
Classification: Uncertain significance for Hereditary cancer-predisposing syndrome. Last evaluated: 2025-05-25. Review status: criteria provided, single submitter. Criteria: Ambry Variant Classification Scheme 2023. Collection method: clinical testing. Allele origin: germline.
Comment: The p.M1936V variant (also known as c.5806A>G), located in coding exon 10 of the BRCA2 gene, results from an A to G substitution at nucleotide position 5806. The methionine at codon 1936 is replaced by valine, an amino acid with highly similar properties. This amino acid position is not well conserved in available vertebrate species. In addition, the in silico prediction for this alteration is inconclusive. Based on the available evidence, the clinical significance of this variant remains unclear.

Labcorp Genetics (formerly Invitae), Labcorp
Classification: Uncertain significance for Hereditary breast ovarian cancer syndrome. Last evaluated: 2024-08-05. Review status: criteria provided, single submitter. Criteria: Invitae Variant Classification Sherloc (09022015). Collection method: clinical testing. Allele origin: germline.
Comment: This sequence change replaces methionine, which is neutral and non-polar, with valine, which is neutral and non-polar, at codon 1936 of the BRCA2 protein (p.Met1936Val). This variant is not present in population databases (gnomAD no frequency). This missense change has been observed in individual(s) with esophageal squamous cell carcinoma (PMID: 22126563). ClinVar contains an entry for this variant (Variation ID: 573454). Advanced modeling of protein sequence and biophysical properties (such as structural, functional, and spatial information, amino acid conservation, physicochemical variation, residue mobility, and thermodynamic stability) performed at Invitae indicates that this missense variant is not expected to disrupt BRCA2 protein function with a negative predictive value of 95%. In summary, the available evidence is currently insufficient to determine the role of this variant in disease. Therefore, it has been classified as a Variant of Uncertain Significance.

All of Us Research Program, National Institutes of Health
Classification: Uncertain significance for Breast-ovarian cancer, familial, susceptibility to, 2. Last evaluated: 2023-08-15. Review status: criteria provided, single submitter. Criteria: ACMG Guidelines, 2015. Collection method: clinical testing. Allele origin: germline. Inheritance: Autosomal dominant inheritance. Observed: 1 variant allele, 1 heterozygote.
Comment: This missense variant replaces methionine with valine at codon 1936 of the BRCA2 protein. Computational prediction suggests that this variant may not impact protein structure and function (internally defined REVEL score threshold <= 0.5, PMID: 27666373). Splice site prediction tools suggest that this variant may not impact RNA splicing. To our knowledge, functional studies have not been performed for this variant. This variant has been reported in an individual affected with esophageal squamous cell carcinoma in the literature (PMID: 22126563). This variant has not been identified in the general population by the Genome Aggregation Database (gnomAD). The available evidence is insufficient to determine the role of this variant in disease conclusively. Therefore, this variant is classified as a Variant of Uncertain Significance.

This study involves interpretation of variants in research participants for the purpose of population health screening. Participant phenotype was not available at the time of variant classification. Additional details can be found in publication PMID: 35346344, PMCID: PMC8962531

University of Washington Department of Laboratory Medicine, University of Washington
Classification: Likely benign for Hereditary cancer-predisposing syndrome. Last evaluated: 2023-03-23. Review status: criteria provided, single submitter. Criteria: Dines et al. (Genet Med. 2020). Collection method: curation. Allele origin: germline.
Comment: Missense variant in a coldspot region where missense variants are very unlikely to be pathogenic (PMID:31911673).

BRCA2 exon 11 coldspot. Reclassification based on statistical prior probability.

CHEO Genetics Diagnostic Laboratory, Children's Hospital of Eastern Ontario
Classification: Uncertain significance for Breast and/or ovarian cancer. Last evaluated: 2021-02-24. Review status: criteria provided, single submitter. Criteria: ACMG Guidelines, 2015. Collection method: clinical testing. Allele origin: germline.

Color Diagnostics, LLC DBA Color Health
Classification: Uncertain significance for Hereditary cancer-predisposing syndrome. Last evaluated: 2020-01-03. Review status: criteria provided, single submitter. Criteria: ACMG Guidelines, 2015. Collection method: clinical testing. Allele origin: germline.
Comment: This missense variant replaces methionine with valine at codon 1936 of the BRCA2 protein. Computational prediction suggests that this variant may not impact protein structure and function (internally defined REVEL score threshold <= 0.5, PMID: 27666373). Splice site prediction tools suggest that this variant may not impact RNA splicing. To our knowledge, functional studies have not been performed for this variant. This variant has been reported in an individual affected with esophageal squamous cell carcinoma in the literature (PMID: 22126563). This variant has not been identified in the general population by the Genome Aggregation Database (gnomAD). The available evidence is insufficient to determine the role of this variant in disease conclusively. Therefore, this variant is classified as a Variant of Uncertain Significance.

Literature cited by the submitters: PubMed 22126563 (cited by Labcorp Genetics (formerly Invitae), Labcorp and All of Us Research Program, National Institutes of Health).

NM_000059.4(BRCA2):c.5806A>G (p.Met1936Val)

Gene: BRCA2 (BRCA2 DNA repair associated; plus strand). Cytogenetic location: 13q13.1.
Variant type: single nucleotide variant.
Coding change: c.5806A>G on transcript NM_000059.4 (MANE Select); coding-DNA position 5806, A replaced by G.
Protein change: p.Met1936Val; replaces methionine 1936 with valine.
Molecular consequence: missense variant.
Genome position (GRCh38, 1-based): chr13:32,340,161, A>G. VCF-style: chr13-32340161-A-G. GRCh37 (hg19) VCF-style: chr13-32914298-A-G.
Other names: short protein forms M1936V.
Identifiers: ClinVar variation 573454 (VCV000573454.16), dbSNP rs1566233265, ClinGen allele CA387787233.
Genomic context (GRCh38, chr13:32,340,161, plus strand): 5'-CATTCACATAAGGTTTTTGCTGACATTCAGAGTGAAGAAATTTTACAACATAACCAAAAT[A>G]TGTCTGGATTGGAGAAAGTTTCTAAAATATCACCTTGTGATGTTAGTTTGGAAACTTCAG-3'
Protein context (NP_000050.3, residues 1926-1946): SEEILQHNQN[Met1936Val]SGLEKVSKIS